The following is an entry in ClinVar:

NM_002608.4(PDGFB):c.110C>T (p.Ser37Leu)

Gene: PDGFB (platelet derived growth factor subunit B; minus strand). Cytogenetic location: 22q13.1.
Variant type: single nucleotide variant.
Coding change: c.110C>T on transcript NM_002608.4 (MANE Select); coding-DNA position 110, C replaced by T.
Protein change: p.Ser37Leu; replaces serine 37 with leucine.
Molecular consequence: missense variant.
Genome position (GRCh38, 1-based): chr22:39,235,828, G>A on the plus strand (C>T on the coding strand, the complement: PDGFB is on the minus strand). VCF-style: chr22-39235828-G-A. GRCh37 (hg19) VCF-style: chr22-39631833-G-A.
Other names: c.65C>T, p.Ser22Leu (NM_033016.3); c.110C>T (NM_002608.2); short protein forms S22L, S37L.
Identifiers: ClinVar variation 2065117 (VCV002065117.2), dbSNP rs370558688, ClinGen allele CA10240255.
Genomic context (GRCh38, chr22:39,235,828, plus strand): 5'-TTCCATTTACCTCCGGGGTCTCCGTGCAGCAGGCGTTGGAGATCATCAAAGGAGCGGATC[G>A]AGTGGTCACTCAGCATCTCATAAAGCTCCTCGGGAATGGGGTCCCCCTGCCGGGCAGACA-3'
Protein context (NP_002599.1, residues 27-47): EELYEMLSDH[Ser37Leu]IRSFDDLQRL

ClinVar aggregate classification (germline): Uncertain significance. Review status: criteria provided, multiple submitters, no conflicts (2 of 4 stars). 2 submissions from 2 submitters: Uncertain significance (2). Last evaluated 2024-07-27.

Conditions:
Inborn genetic diseases. Identifiers: MedGen C0950123, MeSH D030342.

Allele frequency attached by ClinVar (database versions not stated): gnomAD 0.00002; ExAC 0.00006; ESP Exome Variant Server 0.00008.
gnomAD v4.1: 57 of 1,613,928 alleles (0.0035%); highest among the groups gnomAD compares: Admixed American, 0.013%; no homozygotes.

Submissions (2):

Ambry Genetics
Classification: Uncertain significance for Inborn genetic diseases. Last evaluated: 2024-07-27. Review status: criteria provided, single submitter. Criteria: Ambry Variant Classification Scheme 2023. Collection method: clinical testing. Allele origin: germline.

Labcorp Genetics (formerly Invitae), Labcorp
Classification: Uncertain significance. Last evaluated: 2022-09-24. Review status: criteria provided, single submitter. Criteria: Invitae Variant Classification Sherloc (09022015). Collection method: clinical testing. Allele origin: germline.
Comment: This sequence change replaces serine, which is neutral and polar, with leucine, which is neutral and non-polar, at codon 37 of the PDGFB protein (p.Ser37Leu). This variant is present in population databases (rs370558688, gnomAD 0.02%). This variant has not been reported in the literature in individuals affected with PDGFB-related conditions. Advanced modeling of protein sequence and biophysical properties (such as structural, functional, and spatial information, amino acid conservation, physicochemical variation, residue mobility, and thermodynamic stability) performed at Invitae indicates that this missense variant is not expected to disrupt PDGFB protein function. In summary, the available evidence is currently insufficient to determine the role of this variant in disease. Therefore, it has been classified as a Variant of Uncertain Significance.